The following is an entry in ClinVar:

NM_000095.3(COMP):c.257G>A (p.Arg86Gln)

Gene: COMP (cartilage oligomeric matrix protein; minus strand). Cytogenetic location: 19p13.11.
Variant type: single nucleotide variant.
Coding change: c.257G>A on transcript NM_000095.3 (MANE Select); coding-DNA position 257, G replaced by A.
Protein change: p.Arg86Gln; replaces arginine 86 with glutamine.
Molecular consequence: missense variant.
Genome position (GRCh38, 1-based): chr19:18,790,075, C>T on the plus strand (G>A on the coding strand, the complement: COMP is on the minus strand). VCF-style: chr19-18790075-C-T. GRCh37 (hg19) VCF-style: chr19-18900884-C-T.
Other names: short protein forms R86Q.
Identifiers: ClinVar variation 2846640 (VCV002846640.3), dbSNP rs538226042, ClinGen allele CA404898797.
Genomic context (GRCh38, chr19:18,790,075, plus strand): 5'-TCCGTCTGGATGCAGGCCACGCCGGGGAAGCAGAAGCCGGGCGCGCAGTGGAGCAGGGGC[C>T]GCACGCTGGGTAGGCCGGTGCGTACTGACTGCTGCATCCCTGCGGGGGGGAGGGGGGAGA-3'
Protein context (NP_000086.2, residues 76-96): QSVRTGLPSV[Arg86Gln]PLLHCAPGFC

ClinVar aggregate classification (germline): Uncertain significance (1 of 4 stars; one submission).

gnomAD v4.1: 3 of 1,546,484 alleles (0.00019%); highest among the groups gnomAD compares: African/African-American, 0.0014%; no homozygotes.

Submission:

Labcorp Genetics (formerly Invitae), Labcorp
Classification: Uncertain significance. Last evaluated: 2025-01-20. Review status: criteria provided, single submitter. Criteria: Invitae Variant Classification Sherloc (09022015). Collection method: clinical testing. Allele origin: germline.
Comment: This sequence change replaces arginine, which is basic and polar, with glutamine, which is neutral and polar, at codon 86 of the COMP protein (p.Arg86Gln). This variant is not present in population databases (gnomAD no frequency). This variant has not been reported in the literature in individuals affected with COMP-related conditions. ClinVar contains an entry for this variant (Variation ID: 2846640). Invitae Evidence Modeling of protein sequence and biophysical properties (such as structural, functional, and spatial information, amino acid conservation, physicochemical variation, residue mobility, and thermodynamic stability) indicates that this missense variant is not expected to disrupt COMP protein function with a negative predictive value of 95%. In summary, the available evidence is currently insufficient to determine the role of this variant in disease. Therefore, it has been classified as a Variant of Uncertain Significance.